The following is an entry in ClinVar:

ClinVar aggregate classification (germline): Uncertain significance. Review status: criteria provided, single submitter (1 of 4 stars). 2 submissions from 2 submitters: Uncertain significance (1). 1 of the submissions does not count toward it. Last evaluated 2020-02-27.

Conditions:
MHC class II deficiency. Also called: BLS, TYPE II; Bare lymphocyte syndrome 2. Identifiers: Orphanet 572, MedGen C5447452, MONDO:0008855.

Submissions (2):

Labcorp Genetics (formerly Invitae), Labcorp
Classification: Uncertain significance for MHC class II deficiency. Last evaluated: 2020-02-27. Review status: criteria provided, single submitter. Criteria: Invitae Variant Classification Sherloc (09022015). Collection method: clinical testing. Allele origin: germline.
Comment: This variant is not present in population databases (ExAC no frequency). This sequence change replaces histidine with arginine at codon 407 of the CIITA protein (p.His407Arg). The histidine residue is weakly conserved and there is a small physicochemical difference between histidine and arginine. In summary, the available evidence is currently insufficient to determine the role of this variant in disease. Therefore, it has been classified as a Variant of Uncertain Significance. Algorithms developed to predict the effect of missense changes on protein structure and function output the following: SIFT: "Tolerated"; PolyPhen-2: "Benign"; Align-GVGD: "Class C0". The arginine amino acid residue is found in multiple mammalian species, suggesting that this missense change does not adversely affect protein function. These predictions have not been confirmed by published functional studies and their clinical significance is uncertain. This variant has not been reported in the literature in individuals with CIITA-related conditions.

Natera, Inc.
Classification: Uncertain significance for Bare lymphocyte syndrome type II. Last evaluated: 2020-09-11. Review status: no assertion criteria provided. Collection method: clinical testing. Allele origin: germline. Not counted in ClinVar's aggregate classification.

NM_000246.4(CIITA):c.1220A>G (p.His407Arg)

Gene: CIITA (class II major histocompatibility complex transactivator; plus strand). Cytogenetic location: 16p13.13.
Variant type: single nucleotide variant.
Coding change: c.1220A>G on transcript NM_000246.4 (MANE Select); coding-DNA position 1220, A replaced by G.
Protein change: p.His407Arg; replaces histidine 407 with arginine.
Molecular consequence: missense variant. On other transcripts: intron variant (1).
Genome position (GRCh38, 1-based): chr16:10,906,712, A>G. VCF-style: chr16-10906712-A-G. GRCh37 (hg19) VCF-style: chr16-11000569-A-G.
Other names: c.1223A>G, p.His408Arg (NM_001286402.1, NM_001379332.1); c.1076A>G, p.His359Arg (NM_001379330.1); c.1073A>G, p.His358Arg (NM_001379331.1); c.1220A>G, p.His407Arg (NM_001379333.1); c.1151A>G, p.His384Arg (NM_001379334.1); c.859+1900A>G (NM_001286403.2); short protein forms H358R, H359R, H384R, H407R, H408R.
Identifiers: ClinVar variation 1059436 (VCV001059436.13), dbSNP rs2144700429, ClinGen allele CA394730019.